The following is an entry in ClinVar:

NM_001290060.2(SEMA3B):c.13G>A (p.Gly5Arg)

Gene: SEMA3B (semaphorin 3B; plus strand). Cytogenetic location: 3p21.31.
Variant type: single nucleotide variant.
Coding change: c.13G>A on transcript NM_001290060.2 (MANE Select); coding-DNA position 13, G replaced by A.
Protein change: p.Gly5Arg; replaces glycine 5 with arginine.
Molecular consequence: missense variant.
Genome position (GRCh38, 1-based): chr3:50,269,253, G>A. VCF-style: chr3-50269253-G-A. GRCh37 (hg19) VCF-style: chr3-50306685-G-A.
Other names: c.13G>A (NM_004636.2); c.13G>A, p.Gly5Arg (NM_001005914.3, NM_001290061.1, NM_004636.4); short protein forms G5R.
Identifiers: ClinVar variation 2628646 (VCV002628646.3), dbSNP rs1273908867, ClinGen allele CA352902133.

ClinVar aggregate classification (germline): Uncertain significance. Review status: criteria provided, single submitter (1 of 4 stars). 2 submissions from 2 submitters: Uncertain significance (1). 1 of the submissions does not count toward it. Last evaluated 2025-02-08.

Conditions:
SEMA3B-related disorder. Also called: SEMA3B-related condition.

Allele frequency attached by ClinVar (database versions not stated): gnomAD 0.00005; TOPMed 0.00006; 1000 Genomes Project 30x 0.00016.
gnomAD v4.1: 20 of 1,536,352 alleles (0.0013%); highest among the groups gnomAD compares: African/African-American, 0.0082%; no homozygotes.

Submissions (2):

Ambry Genetics
Classification: Uncertain significance. Last evaluated: 2025-02-08. Review status: criteria provided, single submitter. Criteria: Ambry Variant Classification Scheme 2023. Collection method: clinical testing. Allele origin: germline.

PreventionGenetics, part of Exact Sciences
Classification: Uncertain significance for SEMA3B-related condition. Last evaluated: 2024-03-22. Review status: no assertion criteria provided. Collection method: clinical testing. Allele origin: germline. Not counted in ClinVar's aggregate classification.
Comment: The SEMA3B c.13G>A variant is predicted to result in the amino acid substitution p.Gly5Arg. To our knowledge, this variant has not been reported in the literature. This variant is reported in 0.0065% of alleles in individuals of African descent in gnomAD. At this time, the clinical significance of this variant is uncertain due to the absence of conclusive functional and genetic evidence.